The following is an entry in ClinVar:

NM_000179.3(MSH6):c.3801+1G>T

Gene: MSH6 (mutS homolog 6; plus strand). Cytogenetic location: 2p16.3.
Variant type: single nucleotide variant.
Coding change: c.3801+1G>T on transcript NM_000179.3 (MANE Select); the canonical splice donor site of the intron after coding-DNA position 3801, G replaced by T.
Molecular consequence: splice donor variant.
Genome position (GRCh38, 1-based): chr2:47,806,359, G>T. VCF-style: chr2-47806359-G-T. GRCh37 (hg19) VCF-style: chr2-48033498-G-T.
Other names: c.3801+1G>T (NM_001406809.1, NM_001406796.1, NM_001406808.1 and 1 more transcripts); c.2895+1G>T (NM_001406811.1, NM_001406814.1, NM_001281493.2 and 6 more transcripts); c.3504+1G>T (NM_001406805.1, NM_001406797.1, NM_001406801.1 and 10 more transcripts); c.3897+1G>T (NM_001406795.1, NM_001406802.1); c.3807+1G>T (NM_001406813.1); c.3276+1G>T (NM_001406807.1, NM_001406799.1, NM_001406806.1); c.3627+1G>T (NM_001406798.1); c.2937+1G>T (NM_001406803.1); and 7 more.
Identifiers: ClinVar variation 234228 (VCV000234228.17), dbSNP rs876660943, ClinGen allele CA10578160.

ClinVar aggregate classification (germline): Likely pathogenic. Review status: criteria provided, multiple submitters, no conflicts (2 of 4 stars). 5 submissions from 5 submitters: Likely pathogenic (5). Last evaluated 2025-11-19.

Conditions:
Hereditary cancer-predisposing syndrome. Also called: Neoplastic Syndromes, Hereditary; Tumor predisposition; Hereditary Cancer Syndrome; Hereditary neoplastic syndrome. Identifiers: Orphanet 140162, MedGen C0027672, MeSH D009386, MONDO:0015356.
Lynch syndrome 5 (LYNCH5). Also called: Colorectal cancer, hereditary nonpolyposis, type 5; Hereditary non-polyposis colorectal cancer, type 5. Identifiers: Orphanet 144, MedGen C1833477, MONDO:0013710, OMIM 614350. Disease mechanism: loss of function.
Hereditary nonpolyposis colorectal neoplasms. Identifiers: MedGen C0009405, MeSH D003123.
Mismatch repair cancer syndrome 1 (MMRCS1). Also called: BRAIN TUMOR-POLYPOSIS SYNDROME 1; BTP1 SYNDROME; CHILDHOOD CANCER SYNDROME; MISMATCH REPAIR DEFICIENCY; MMR DEFICIENCY. Identifiers: Orphanet 252202, MedGen C5399763, MONDO:0010159, OMIM 276300. Disease mechanism: loss of function.
Endometrial carcinoma. Also called: Endometrial carcinoma, somatic. Identifiers: MedGen C0476089, MONDO:0002447, OMIM 608089, HP:0012114.

Allele frequency attached by ClinVar (database versions not stated): TOPMed below 0.00001; gnomAD 0.00001.
gnomAD v4.1: 1 of 1,613,974 alleles (0.000062%); highest among the groups gnomAD compares: Non-Finnish European, 0.000085%; no homozygotes.

Submissions (5):

Labcorp Genetics (formerly Invitae), Labcorp
Classification: Likely pathogenic for Hereditary nonpolyposis colorectal neoplasms. Last evaluated: 2025-11-19. Review status: criteria provided, single submitter. Criteria: Invitae Variant Classification Sherloc (09022015). Collection method: clinical testing. Allele origin: germline.
Comment: This sequence change affects a donor splice site in intron 8 of the MSH6 gene. RNA analysis indicates that disruption of this splice site induces altered splicing and may result in an absent or altered protein product. This variant is not present in population databases (gnomAD no frequency). This variant has not been reported in the literature in individuals affected with MSH6-related conditions. ClinVar contains an entry for this variant (Variation ID: 234228). Studies have shown that disruption of this splice site results in skipping of exon 8, and produces a non-functional protein and/or introduces a premature termination codon (internal data). In summary, the currently available evidence indicates that the variant is pathogenic, but additional data are needed to prove that conclusively. Therefore, this variant has been classified as Likely Pathogenic.

Ambry Genetics
Classification: Likely pathogenic for Hereditary cancer-predisposing syndrome. Last evaluated: 2025-07-31. Review status: criteria provided, single submitter. Criteria: Ambry Variant Classification Scheme 2023. Collection method: clinical testing. Allele origin: germline.
Comment: The c.3801+1G>T intronic variant results from a G to T substitution one nucleotide after coding exon 8 of the MSH6 gene. This nucleotide position is highly conserved in available vertebrate species. In silico splice site analysis predicts that this alteration will weaken the native splice donor site; however, direct evidence is insufficient at this time (Ambry internal data). Alterations that disrupt the canonical splice site are expected to cause aberrant splicing, resulting in an abnormal protein or a transcript that is subject to nonsense-mediated mRNA decay. As such, this alteration is classified as likely pathogenic.

Myriad Genetics, Inc.
Classification: Likely pathogenic for Lynch syndrome 5. Last evaluated: 2023-08-25. Review status: criteria provided, single submitter. Criteria: Myriad Autosomal Dominant, Autosomal Recessive and X-Linked Classification Criteria (2023). Collection method: clinical testing. Allele origin: unknown.
Comment: This variant is considered likely pathogenic. This variant occurs within a consensus splice junction and is predicted to result in abnormal mRNA splicing of either an out-of-frame exon or an in-frame exon necessary for protein stability and/or normal function.

Revvity Omics, Revvity
Classification: Likely pathogenic. Last evaluated: 2023-01-30. Review status: criteria provided, single submitter. Criteria: ACMG Guidelines, 2015. Collection method: clinical testing. Allele origin: germline.

Fulgent Genetics
Classification: Likely pathogenic for Mismatch repair cancer syndrome 1; Endometrial carcinoma; Lynch syndrome 5. Last evaluated: 2018-10-31. Review status: criteria provided, single submitter. Criteria: ACMG Guidelines, 2015. Collection method: clinical testing. Allele origin: unknown.